The following is an entry in ClinVar:

NM_000540.3(RYR1):c.10382A>G (p.Gln3461Arg)

Gene: RYR1 (ryanodine receptor 1; plus strand). Cytogenetic location: 19q13.2.
Variant type: single nucleotide variant.
Coding change: c.10382A>G on transcript NM_000540.3 (MANE Select); coding-DNA position 10382, A replaced by G.
Protein change: p.Gln3461Arg; replaces glutamine 3461 with arginine.
Molecular consequence: missense variant.
Genome position (GRCh38, 1-based): chr19:38,523,251, A>G. VCF-style: chr19-38523251-A-G. GRCh37 (hg19) VCF-style: chr19-39013891-A-G.
Other names: c.10382A>G, p.Gln3461Arg (NM_001042723.2); short protein forms Q3461R.
Identifiers: ClinVar variation 3071782 (VCV003071782.1), dbSNP rs2514463927, ClinGen allele CA079818.

ClinVar aggregate classification (germline): Uncertain significance (1 of 4 stars; one submission).

Conditions:
Malignant hyperthermia, susceptibility to, 1 (MHS1). Also called: Anesthesia related hyperthermia; Malignant hyperpyrexia; Fulminating hyperpyrexia; Pharmacogenic myopathy; RYR1-Related Malignant Hyperthermia Susceptibility; Malignant hyperthermia suceptibility 1. Identifiers: Orphanet 423, MedGen C2930980, MONDO:0007783, OMIM 145600.

Submission:

All of Us Research Program, National Institutes of Health
Classification: Uncertain significance for Malignant hyperthermia, susceptibility to, 1. Last evaluated: 2023-06-26. Review status: criteria provided, single submitter. Criteria: ACMG Guidelines, 2015. Collection method: clinical testing. Allele origin: germline. Inheritance: Autosomal dominant inheritance. Observed: 1 variant allele, 1 heterozygote.
Comment: This missense variant replaces glutamine with arginine at codon 3461 of the RYR1 protein. Computational prediction is inconclusive regarding the impact of this variant on protein structure and function (internally defined REVEL score threshold 0.5 < inconclusive < 0.7, PMID: 27666373). To our knowledge, functional studies have not been reported for this variant. This variant has not been reported in individuals affected with RYR1-related disorders in the literature. This variant has not been identified in the general population by the Genome Aggregation Database (gnomAD). The available evidence is insufficient to determine the role of this variant in disease conclusively. Therefore, this variant is classified as a Variant of Uncertain Significance.

This study involves interpretation of variants in research participants for the purpose of population health screening. Participant phenotype was not available at the time of variant classification. Additional details can be found in publication PMID: 35346344, PMCID: PMC8962531